The following is an entry in ClinVar:

NM_001378120.1(MBD5):c.1458T>C (p.Ile486=)

Gene: MBD5 (methyl-CpG binding domain protein 5; plus strand). Cytogenetic location: 2q23.1.
Variant type: single nucleotide variant.
Coding change: c.1458T>C on transcript NM_001378120.1 (MANE Select); coding-DNA position 1458, T replaced by C.
Protein change: p.Ile486=; no amino-acid change (isoleucine 486 retained).
Molecular consequence: synonymous variant.
Genome position (GRCh38, 1-based): chr2:148,469,401, T>C. VCF-style: chr2-148469401-T-C. GRCh37 (hg19) VCF-style: chr2-149226970-T-C.
Other names: c.1458T>C, p.Ile486= (NM_018328.5).
Identifiers: ClinVar variation 696020 (VCV000696020.14), dbSNP rs144232195, ClinGen allele CA1900016.

ClinVar aggregate classification (germline): Likely benign. Review status: criteria provided, multiple submitters, no conflicts (2 of 4 stars). 3 submissions from 3 submitters: Likely benign (3). Last evaluated 2026-07-01.

Conditions:
Intellectual developmental disorder, autosomal dominant 1. Also called: Intellectual disability, autosomal dominant 1; MBD5 Haploinsufficiency. Identifiers: Orphanet 228402, MedGen C1969562, MONDO:0007974, OMIM 156200.

Allele frequency attached by ClinVar (database versions not stated): gnomAD 0.00007 and 0.00009; gnomAD exomes 0.00001 and 0.00005; TOPMed 0.00008; ExAC 0.00001; ESP Exome Variant Server 0.00015.
gnomAD v4.1: 95 of 1,613,656 alleles (0.0059%); highest among the groups gnomAD compares: African/African-American, 0.008%; 1 homozygote.

Submissions (3):

CeGaT Center for Human Genetics Tuebingen
Classification: Likely benign. Last evaluated: 2026-07-01. Review status: criteria provided, single submitter. Criteria: CeGaT Center For Human Genetics Tuebingen Variant Classification Criteria Version 2. Collection method: clinical testing. Allele origin: germline. Affected: yes. Observed: 1 variant allele.
Comment: MBD5: BP4, BP7

Labcorp Genetics (formerly Invitae), Labcorp
Classification: Likely benign for Intellectual developmental disorder, autosomal dominant 1. Last evaluated: 2025-03-20. Review status: criteria provided, single submitter. Criteria: Invitae Variant Classification Sherloc (09022015). Collection method: clinical testing. Allele origin: germline.

GeneDx
Classification: Likely benign. Last evaluated: 2020-05-20. Review status: criteria provided, single submitter. Criteria: GeneDx Variant Classification Process June 2021. Collection method: clinical testing. Allele origin: germline. Affected: yes.